The following is an entry in ClinVar:

ClinVar aggregate classification (germline): Benign/Likely benign. Review status: criteria provided, multiple submitters, no conflicts (2 of 4 stars). 3 submissions from 3 submitters: Benign (1); Likely benign (2). Last evaluated 2025-07-23.

Conditions:
Hereditary cancer-predisposing syndrome. Also called: Hereditary neoplastic syndrome; Hereditary Cancer Syndrome; Tumor predisposition; Neoplastic Syndromes, Hereditary. Identifiers: Orphanet 140162, MedGen C0027672, MeSH D009386, MONDO:0015356.
Oligodontia-cancer predisposition syndrome. Also called: TOOTH AGENESIS-COLORECTAL CANCER SYNDROME. Identifiers: Orphanet 300576, MedGen C1837750, MONDO:0012075, OMIM 608615. Disease mechanism: loss of function.

Submissions (3):

Labcorp Genetics (formerly Invitae), Labcorp
Classification: Likely benign for Oligodontia-cancer predisposition syndrome. Last evaluated: 2025-07-23. Review status: criteria provided, single submitter. Criteria: Invitae Variant Classification Sherloc (09022015). Collection method: clinical testing. Allele origin: germline.

Myriad Genetics, Inc.
Classification: Benign for Oligodontia-cancer predisposition syndrome. Last evaluated: 2024-07-03. Review status: criteria provided, single submitter. Criteria: Myriad Autosomal Dominant, Autosomal Recessive and X-Linked Classification Criteria (2023). Collection method: clinical testing. Allele origin: unknown.
Comment: This variant is considered benign. This variant is a silent/synonymous amino acid change and it is not expected to impact splicing.

Ambry Genetics
Classification: Likely benign for Hereditary cancer-predisposing syndrome. Last evaluated: 2021-02-20. Review status: criteria provided, single submitter. Criteria: Ambry Variant Classification Scheme 2023. Collection method: clinical testing. Allele origin: germline.

NM_004655.4(AXIN2):c.1404C>T (p.Asp468=)

Gene: AXIN2 (axin 2; minus strand). Cytogenetic location: 17q24.1.
Variant type: single nucleotide variant.
Coding change: c.1404C>T on transcript NM_004655.4 (MANE Select); coding-DNA position 1404, C replaced by T.
Protein change: p.Asp468=; no amino-acid change (aspartic acid 468 retained).
Molecular consequence: synonymous variant.
Genome position (GRCh38, 1-based): chr17:65,537,632, G>A on the plus strand (C>T on the coding strand, the complement: AXIN2 is on the minus strand). VCF-style: chr17-65537632-G-A. GRCh37 (hg19) VCF-style: chr17-63533750-G-A.
Other names: c.1404C>T, p.Asp468= (NM_001363813.1).
Identifiers: ClinVar variation 1130504 (VCV001130504.12), dbSNP rs2144463784, ClinGen allele CA501691163.